The following is an entry in ClinVar:

NM_017491.5(WDR1):c.717+52C>T

Gene: WDR1 (WD repeat domain 1; minus strand). Cytogenetic location: 4p16.1.
Variant type: single nucleotide variant.
Coding change: c.717+52C>T on transcript NM_017491.5 (MANE Select); 52 bases into the intron after coding-DNA position 717, C replaced by T.
Molecular consequence: intron variant.
Genome position (GRCh38, 1-based): chr4:10,088,241, G>A on the plus strand (C>T on the coding strand, the complement: WDR1 is on the minus strand). VCF-style: chr4-10088241-G-A. GRCh37 (hg19) VCF-style: chr4-10089865-G-A.
Other names: c.297+52C>T (NM_005112.5).
Identifiers: ClinVar variation 2688183 (VCV002688183.2), dbSNP rs734122, ClinGen allele CA2857901.
Genomic context (GRCh38, chr4:10,088,241, plus strand): 5'-TTATAGCCCCTCATTTCAAGTTTTTGTCTAACTCCGGAGTGAGTGTGGATGGACTGACAC[G>A]TGGACTCGGCCAAATTCCCACCACTAGGCCGGGAAACACGCTCATACTCACTGCGTAAAT-3'

ClinVar aggregate classification (germline): Benign (1 of 4 stars; one submission).

Allele frequency attached by ClinVar (database versions not stated): ESP Exome Variant Server 0.28165; gnomAD 0.29431; TOPMed 0.29915; gnomAD exomes 0.29930; ExAC 0.30905; 1000 Genomes Project 0.32867.
gnomAD v4.1: 448,419 of 1,495,968 alleles (30%); highest among the groups gnomAD compares: East Asian, 53%; 69,105 homozygotes.

Submission:

Unidad de Genómica Garrahan, Hospital de Pediatría Garrahan
Classification: Benign. Last evaluated: 2024-01-24. Review status: criteria provided, single submitter. Criteria: ACMG Guidelines, 2015. Collection method: clinical testing. Allele origin: germline. Affected: no. Observed: 39 variant alleles.
Comment: This variant is classified as Benign based on local population frequency. This variant was detected in 41% of patients studied by a panel of primary immunodeficiencies. Number of patients: 39. Only high quality variants are reported.